The following is an entry in ClinVar:

NM_001849.4(COL6A2):c.2461+2367G>A

Gene: COL6A2 (collagen type VI alpha 2 chain; plus strand). Cytogenetic location: 21q22.3.
Variant type: single nucleotide variant.
Coding change: c.2461+2367G>A on transcript NM_001849.4 (MANE Select); 2367 bases into the intron after coding-DNA position 2461, G replaced by A.
Molecular consequence: intron variant. On other transcripts: missense variant (1).
Genome position (GRCh38, 1-based): chr21:46,128,908, G>A. VCF-style: chr21-46128908-G-A. GRCh37 (hg19) VCF-style: chr21-47548822-G-A.
Other names: c.2467G>A, p.Asp823Asn (NM_058175.3); c.2462-288G>A (NM_058174.3); short protein forms D823N.
Identifiers: ClinVar variation 3347857 (VCV003347857.1).

ClinVar aggregate classification (germline): Uncertain significance (0 of 4 stars; one submission).

Conditions:
COL6A2-related disorder.

gnomAD v4.1: 4 of 1,612,882 alleles (0.00025%); highest among the groups gnomAD compares: Non-Finnish European, 0.00017%; no homozygotes.

Submission:

PreventionGenetics, part of Exact Sciences
Classification: Uncertain significance for COL6A2-related condition. Last evaluated: 2024-08-05. Review status: no assertion criteria provided. Collection method: clinical testing. Allele origin: germline.
Comment: The COL6A2 c.2467G>A variant is predicted to result in the amino acid substitution p.Asp823Asn. To our knowledge, this variant has not been reported in the literature or in a large population database, indicating this variant is rare. At this time, the clinical significance of this variant is uncertain due to the absence of conclusive functional and genetic evidence.